The following is an entry in ClinVar:

ClinVar aggregate classification (germline): Uncertain significance (1 of 4 stars; one submission).

Conditions:
Episodic ataxia type 2 (EA2). Also called: ACETAZOLAMIDE-RESPONSIVE HEREDITARY PAROXYSMAL CEREBELLAR ATAXIA; ATAXIA, EPISODIC, WITH NYSTAGMUS; ATAXIA, FAMILIAL PAROXYSMAL; CEREBELLAR ATAXIA, PAROXYSMAL, ACETAZOLAMIDE-RESPONSIVE; CEREBELLOPATHY, HEREDITARY PAROXYSMAL; EPISODIC ATAXIA, NYSTAGMUS-ASSOCIATED. Identifiers: Orphanet 97, MedGen C1720416, MONDO:0007163, OMIM 108500.
Developmental and epileptic encephalopathy, 42 (DEE42A). Also called: Epileptic encephalopathy, early infantile, 42; DEVELOPMENTAL AND EPILEPTIC ENCEPHALOPATHY 42A; EPILEPTIC ENCEPHALOPATHY, EARLY INFANTILE, 42A. Identifiers: MedGen C4310716, MONDO:0014917, OMIM 617106.

Submission:

Labcorp Genetics (formerly Invitae), Labcorp
Classification: Uncertain significance for Developmental and epileptic encephalopathy, 42; Episodic ataxia type 2. Last evaluated: 2025-03-04. Review status: criteria provided, single submitter. Criteria: Invitae Variant Classification Sherloc (09022015). Collection method: clinical testing. Allele origin: germline.
Comment: This sequence change replaces asparagine, which is neutral and polar, with serine, which is neutral and polar, at codon 1072 of the CACNA1A protein (p.Asn1072Ser). This variant is not present in population databases (gnomAD no frequency). This variant has not been reported in the literature in individuals affected with CACNA1A-related conditions. Invitae Evidence Modeling of protein sequence and biophysical properties (such as structural, functional, and spatial information, amino acid conservation, physicochemical variation, residue mobility, and thermodynamic stability) indicates that this missense variant is not expected to disrupt CACNA1A protein function with a negative predictive value of 95%. In summary, the available evidence is currently insufficient to determine the role of this variant in disease. Therefore, it has been classified as a Variant of Uncertain Significance.

NM_001127222.2(CACNA1A):c.3212A>G (p.Asn1071Ser)

Gene: CACNA1A (calcium voltage-gated channel subunit alpha1 A; minus strand). Cytogenetic location: 19p13.13.
Variant type: single nucleotide variant.
Coding change: c.3212A>G on transcript NM_001127222.2 (MANE Select); coding-DNA position 3212, A replaced by G.
Protein change: p.Asn1071Ser; replaces asparagine 1071 with serine.
Molecular consequence: missense variant.
Genome position (GRCh38, 1-based): chr19:13,286,844, T>C on the plus strand (A>G on the coding strand, the complement: CACNA1A is on the minus strand). VCF-style: chr19-13286844-T-C. GRCh37 (hg19) VCF-style: chr19-13397658-T-C.
Other names: c.3224A>G, p.Asn1075Ser (NM_000068.4, NM_023035.3); c.3215A>G, p.Asn1072Ser (NM_001127221.2, NM_001174080.2); short protein forms N1072S, N1075S, N1071S.
Identifiers: ClinVar variation 4791168 (VCV004791168.1).